The following is an entry in ClinVar:

ClinVar aggregate classification (germline): Pathogenic (3 of 4 stars; one submission).

Conditions:
Mucopolysaccharidosis type 1. Also called: IDUA deficiency; MPS I. Identifiers: Orphanet 579, MedGen C0023786, MONDO:0001586.

gnomAD v4.1: 1 of 1,556,180 alleles (0.000064%); highest among the groups gnomAD compares: Non-Finnish European, 0.000087%; no homozygotes.

Submission:

ClinGen Lysosomal Storage Disorder Variant Curation Expert Panel
Classification: Pathogenic for Mucopolysaccharidosis type 1. Last evaluated: 2025-12-15. Review status: reviewed by expert panel. Criteria: ClinGen LSD ACMG Specifications IDUA V1.1.0. Collection method: curation. Allele origin: germline. Inheritance: Autosomal recessive inheritance.
Comment: The NM_000203.5:c.972+1G>A variant in IDUA occurs within the canonical splice donor site of intron 7. It is predicted to cause skipping of biologically-relevant-exon 7 out of 14, resulting in a frameshift leading to nonsense mediated decay in a gene in which loss-of-function is an established disease mechanism (PMID:8213840) (PVS1). The highest population minor allele frequency in gnomAD v4.1.0 is 0.0000009 (1/1150268 alleles) in the Non-Finnish European population, which is lower than the ClinGen Lysosomal Diseases VCEP’s threshold for PM2_Supporting (<0.00025), meeting this criterion (PM2_Supporting). 0.5 points (PM3_Supporting). The patient has clinical features that are consistent with MPS I, as well as reduced (7-10% of normal levels) fibroblast proteins. Immunochemical analysis of fibroblasts were available from cultured fibroblasts from normal controls and MPS 1 patients (PMID:1550122). Enzyme activity was not provided. This variant was reported by a group with expertise in MPS I (PP4). In summary, this variant meets the criteria to be classified as pathogenic for MPS I based on the IDUA-specific ACMG/AMP criteria applied, as specified by the ClinGen Lysosomal Diseases Variant Curation Expert Panel (Specifications Version 1.1.0): PVS1, PP4, PM2_Supporting, PM3_Supporting. (Classification approved by the ClinGen Lysosomal Diseases Variant Curation Expert Panel on December 15, 2025)

NM_000203.5(IDUA):c.972+2T>C

Gene: IDUA (alpha-L-iduronidase; plus strand). Cytogenetic location: 4p16.3.
Variant type: single nucleotide variant.
Coding change: c.972+2T>C on transcript NM_000203.5 (MANE Select); the canonical splice donor site of the intron after coding-DNA position 972, T replaced by C.
Molecular consequence: splice donor variant.
Genome position (GRCh38, 1-based): chr4:1,002,163, T>C. VCF-style: chr4-1002163-T-C. GRCh37 (hg19) VCF-style: chr4-995951-T-C.
Other names: NM_001363576.1:c.576+2T>C; c.576+2T>C (NM_001363576.1).
Identifiers: ClinVar variation 4539817 (VCV004539817.1).